The following is an entry in ClinVar:

NM_000051.4(ATM):c.4437-15T>C

Gene: ATM (ATM serine/threonine kinase; plus strand). Cytogenetic location: 11q22.3.
Variant type: single nucleotide variant.
Coding change: c.4437-15T>C on transcript NM_000051.4 (MANE Select); 15 bases into the intron before coding-DNA position 4437, T replaced by C.
Molecular consequence: intron variant.
Genome position (GRCh38, 1-based): chr11:108,292,604, T>C. VCF-style: chr11-108292604-T-C. GRCh37 (hg19) VCF-style: chr11-108163331-T-C.
Other names: c.4437-15T>C (NM_001351834.2).
Identifiers: ClinVar variation 3253912 (VCV003253912.2), dbSNP rs2135796531.
Genomic context (GRCh38, chr11:108,292,604, plus strand): 5'-TTCTGAATGAATTTATTTCAGAGTAATTTTCCAGAACTTACTGGTTGTTGTTGTTTTTTT[T>C]TCTCCCTATATTAGGCCTTCTTGTATCATGGATGTGTCATTACGTAGCTTCTCCCTTTGT-3'

ClinVar aggregate classification (germline): Likely benign. Review status: criteria provided, multiple submitters, no conflicts (2 of 4 stars). 2 submissions from 2 submitters: Likely benign (2). Last evaluated 2025-08-02.

Conditions:
Ataxia-telangiectasia syndrome (AT). Also called: LOUIS-BAR SYNDROME; Cerebello-oculocutaneous telangiectasia; Immunodeficiency with ataxia telangiectasia; AT, COMPLEMENTATION GROUP C; Ataxia-telangiectasia, complementation group D; ATAXIA-TELANGIECTASIA, COMPLEMENTATION GROUP A. Identifiers: Orphanet 100, MedGen C0004135, MONDO:0008840, OMIM 208900.
Familial cancer of breast. Also called: BREAST CANCER, FAMILIAL; hereditary breast carcinoma; Hereditary breast cancer. Identifiers: Orphanet 227535, MedGen C0346153, MONDO:0016419, OMIM 114480. Disease mechanism: loss of function.

Submissions (2):

Labcorp Genetics (formerly Invitae), Labcorp
Classification: Likely benign for Ataxia-telangiectasia syndrome. Last evaluated: 2025-08-02. Review status: criteria provided, single submitter. Criteria: Invitae Variant Classification Sherloc (09022015). Collection method: clinical testing. Allele origin: germline.

Myriad Genetics, Inc.
Classification: Likely benign for Familial cancer of breast. Last evaluated: 2024-05-17. Review status: criteria provided, single submitter. Criteria: Myriad Autosomal Dominant, Autosomal Recessive and X-Linked Classification Criteria (2023). Collection method: clinical testing. Allele origin: unknown.
Comment: This variant is considered likely benign. This variant is intronic and is not expected to impact mRNA splicing.